The following is an entry in ClinVar:

NM_012203.2(GRHPR):c.175C>T (p.Leu59Phe)

Gene: GRHPR (glyoxylate and hydroxypyruvate reductase; plus strand). Cytogenetic location: 9p13.2.
Variant type: single nucleotide variant.
Coding change: c.175C>T on transcript NM_012203.2 (MANE Select); coding-DNA position 175, C replaced by T.
Protein change: p.Leu59Phe; replaces leucine 59 with phenylalanine.
Molecular consequence: missense variant.
Genome position (GRCh38, 1-based): chr9:37,424,936, C>T. VCF-style: chr9-37424936-C-T. GRCh37 (hg19) VCF-style: chr9-37424933-C-T.
Other names: short protein forms L59F.
Identifiers: ClinVar variation 3344071 (VCV003344071.1).
Genomic context (GRCh38, chr9:37,424,936, plus strand): 5'-CCCATCCCTGCCAAGGAGCTAGAGCGAGGTGTGGCGGGGGCCCACGGCCTGCTCTGCCTC[C>T]TCTCCGACCACGTGGACAAGAGGATCCTGGATGCTGCAGGTGCACACTGGGTGGGCAGGG-3'
Protein context (NP_036335.1, residues 49-69): VAGAHGLLCL[Leu59Phe]SDHVDKRILD

ClinVar aggregate classification (germline): Uncertain significance (0 of 4 stars; one submission).

Conditions:
GRHPR-related disorder. Also called: GRHPR-related condition.

Submission:

PreventionGenetics, part of Exact Sciences
Classification: Uncertain significance for GRHPR-related condition. Last evaluated: 2024-04-05. Review status: no assertion criteria provided. Collection method: clinical testing. Allele origin: germline.
Comment: The GRHPR c.175C>T variant is predicted to result in the amino acid substitution p.Leu59Phe. To our knowledge, this variant has not been reported in the literature or in a large population database, indicating this variant is rare. At this time, the clinical significance of this variant is uncertain due to the absence of conclusive functional and genetic evidence.